The following is an entry in ClinVar:

NM_001089.3(ABCA3):c.3322del (p.Met1108fs)

Gene: ABCA3 (ATP binding cassette subfamily A member 3; minus strand). Cytogenetic location: 16p13.3.
Variant type: Deletion.
Coding change: c.3322del on transcript NM_001089.3 (MANE Select); coding-DNA position 3322, one base deleted (A; older notation c.3322delA).
Protein change: p.Met1108fs; shifts the reading frame from methionine 1108.
Molecular consequence: frameshift variant.
Genome position (GRCh38, 1-based): chr16:2,285,603, T deleted on the plus strand (A on the coding strand, the reverse complement: ABCA3 is on the minus strand). VCF-style (leftmost placement, unchanged base first): chr16-2285602-AT-A. GRCh37 (hg19) VCF-style: chr16-2335603-AT-A.
Other names: short protein forms M1108fs.
Identifiers: ClinVar variation 1437739 (VCV001437739.6), dbSNP rs2141695316, ClinGen allele CA2573152000.

ClinVar aggregate classification (germline): Pathogenic (1 of 4 stars; one submission).

Submission:

Labcorp Genetics (formerly Invitae), Labcorp
Classification: Pathogenic. Last evaluated: 2024-10-08. Review status: criteria provided, single submitter. Criteria: Invitae Variant Classification Sherloc (09022015). Collection method: clinical testing. Allele origin: germline.
Comment: This sequence change creates a premature translational stop signal (p.Met1108Trpfs*26) in the ABCA3 gene. It is expected to result in an absent or disrupted protein product. Loss-of-function variants in ABCA3 are known to be pathogenic (PMID: 27516224). This variant is not present in population databases (gnomAD no frequency). This variant has not been reported in the literature in individuals affected with ABCA3-related conditions. ClinVar contains an entry for this variant (Variation ID: 1437739). For these reasons, this variant has been classified as Pathogenic.

Literature cited by the submitters: PubMed 27516224.